The following is an entry in ClinVar:

NM_003470.3(USP7):c.185-21_185-20delinsTT

Gene: USP7 (ubiquitin specific peptidase 7; minus strand). Cytogenetic location: 16p13.2.
Variant type: Indel.
Coding change: c.185-21_185-20delinsTT on transcript NM_003470.3 (MANE Select); 21 bases into the intron before coding-DNA position 185 through 20 bases into the intron before coding-DNA position 185, GA replaced by TT.
Molecular consequence: intron variant.
Genome position (GRCh38, 1-based): chr16:8,923,433-8,923,434, TC replaced by AA on the plus strand (GA replaced by TT on the coding strand, the reverse complement: USP7 is on the minus strand). VCF-style: chr16-8923433-TC-AA. GRCh37 (hg19) VCF-style: chr16-9017290-TC-AA.
Other names: c.11-21_11-20delinsTT (NM_001321858.2); c.137-21_137-20delinsTT (NM_001286457.2); c.-113-21_-113-20delinsTT (NM_001286458.2).
Identifiers: ClinVar variation 4766651 (VCV004766651.1).
Genomic context (GRCh38, chr16:8,923,433, plus strand): 5'-CACAGTGAACTGAAAGGTTGCCTCGGAGCGCCAACTGGTGTCTGCAAAAAAAACACATCA[TC>AA]AGTCACAGAGCCTGTGCATTGACCAAAAGCACTAGCATTAATCGACATGGAGTAAACTGT-3'

ClinVar aggregate classification (germline): Uncertain significance (1 of 4 stars; one submission).

Submission:

Labcorp Genetics (formerly Invitae), Labcorp
Classification: Uncertain significance. Last evaluated: 2025-01-27. Review status: criteria provided, single submitter. Criteria: Invitae Variant Classification Sherloc (09022015). Collection method: clinical testing. Allele origin: germline.
Comment: This sequence change falls in intron 2 of the USP7 gene. It does not directly change the encoded amino acid sequence of the USP7 protein. Information on the frequency of this variant in the gnomAD database is not available, as this variant may be reported differently in the database. This variant has not been reported in the literature in individuals affected with USP7-related conditions. Experimental studies and prediction algorithms are not available or were not evaluated, and the effect of this variant on mRNA splicing is currently unknown. In summary, the available evidence is currently insufficient to determine the role of this variant in disease. Therefore, it has been classified as a Variant of Uncertain Significance.